The following is an entry in ClinVar:

NM_004385.5(VCAN):c.8809G>T (p.Asp2937Tyr)

Genes: VCAN (versican; plus strand), VCAN-AS1 (VCAN antisense RNA 1; minus strand). Cytogenetic location: 5q14.3.
Variant type: single nucleotide variant.
Coding change: c.8809G>T on transcript NM_004385.5 (MANE Select); coding-DNA position 8809, G replaced by T.
Protein change: p.Asp2937Tyr; replaces aspartic acid 2937 with tyrosine.
Molecular consequence: missense variant. On other transcripts: intron variant (2).
Genome position (GRCh38, 1-based): chr5:83,541,812, G>T. VCF-style: chr5-83541812-G-T. GRCh37 (hg19) VCF-style: chr5-82837631-G-T.
Other names: c.5848G>T, p.Asp1950Tyr (NM_001164097.2); c.4004-3725G>T (NM_001164098.2); c.1043-3725G>T (NM_001126336.3); short protein forms D2937Y, D1950Y.
Identifiers: ClinVar variation 198802 (VCV000198802.22), dbSNP rs160277, ClinGen allele CA203618.

ClinVar aggregate classification (germline): Benign. Review status: criteria provided, multiple submitters, no conflicts (2 of 4 stars). 7 submissions from 7 submitters: Benign (7). Last evaluated 2026-02-04.

Conditions:
Wagner disease. Also called: WAGNER SYNDROME 1; Wagner syndrome; WAGNER VITREORETINOPATHY; Wagner Vitreoretinal Degeneration (Wagner Synrdome); HYALOIDEORETINAL DEGENERATION OF WAGNER; WAGNER VITREORETINAL DEGENERATION. Identifiers: Orphanet 898, MedGen C1840452, MONDO:0007740, OMIM 143200.
Vitreoretinopathy. Also called: Vitreoretinal degeneration. Identifiers: MedGen C0344290, MONDO:0020248, HP:0007773.

Allele frequency attached by ClinVar (database versions not stated): 1000 Genomes Project 0.36062; 1000 Genomes Project 30x 0.36930; ExAC 0.38119; ESP Exome Variant Server 0.38890; TOPMed 0.39085.
gnomAD v4.1: 613,535 of 1,613,674 alleles (38%); highest among the groups gnomAD compares: Admixed American, 45%; 117,940 homozygotes.

Submissions (7):

Labcorp Genetics (formerly Invitae), Labcorp
Classification: Benign. Last evaluated: 2026-02-04. Review status: criteria provided, single submitter. Criteria: Invitae Variant Classification Sherloc (09022015). Collection method: clinical testing. Allele origin: germline.

Blueprint Genetics
Classification: Benign. Last evaluated: 2024-11-27. Review status: criteria provided, single submitter. Criteria: ACMG Guidelines, 2015. Collection method: clinical testing. Allele origin: germline.

Genome-Nilou Lab
Classification: Benign for Wagner disease. Last evaluated: 2021-12-05. Review status: criteria provided, single submitter. Criteria: ACMG Guidelines, 2015. Collection method: clinical testing. Allele origin: germline. Affected: no.

GeneDx
Classification: Benign. Last evaluated: 2018-09-24. Review status: criteria provided, single submitter. Criteria: GeneDx Variant Classification Process June 2021. Collection method: clinical testing. Allele origin: germline. Affected: yes.
Comment: This variant is associated with the following publications: (PMID: 19655167)

Illumina Laboratory Services, Illumina
Classification: Benign for Vitreoretinopathy. Last evaluated: 2018-03-06. Review status: criteria provided, single submitter. Criteria: ICSL Variant Classification Criteria 13 December 2019. Collection method: clinical testing. Allele origin: germline.
Comment: This variant was observed in the ICSL laboratory as part of a predisposition screen in an ostensibly healthy population. It had not been previously curated by ICSL or reported in the Human Gene Mutation Database (HGMD: prior to June 1st, 2018), and was therefore a candidate for classification through an automated scoring system. Utilizing variant allele frequency, disease prevalence and penetrance estimates, and inheritance mode, an automated score was calculated to assess if this variant is too frequent to cause the disease. Based on the score and internal cut-off values, a variant classified as benign is not then subjected to further curation. The score for this variant resulted in a classification of benign for this disease.

Eurofins Ntd Llc (ga)
Classification: Benign. Last evaluated: 2014-05-08. Review status: criteria provided, single submitter. Criteria: EGL Classification Definitions 2015. Collection method: clinical testing. Allele origin: germline. Observed: 4 variant alleles, 4 heterozygotes.

PreventionGenetics, part of Exact Sciences
Classification: Benign. Review status: criteria provided, single submitter. Criteria: ACMG Guidelines, 2015. Collection method: clinical testing. Allele origin: germline.